The following is an entry in ClinVar:

ClinVar aggregate classification (germline): Pathogenic (1 of 4 stars; one submission).

Conditions:
Severe combined immunodeficiency, autosomal recessive, T cell-negative, B cell-negative, NK cell-positive. Also called: SCID, T CELL-NEGATIVE, B CELL-NEGATIVE, NK CELL-POSITIVE; SCID, AR, T-cell negative, B-cell negative, NK cell-positive; Severe combined immunodeficiency due to complete RAG1/2 deficiency. Identifiers: Orphanet 331206, MedGen C1832322, MONDO:0011086, OMIM 601457.
Combined immunodeficiency with skin granulomas. Identifiers: Orphanet 157949, MedGen C2673536, MONDO:0009306, OMIM 233650.

Submission:

Labcorp Genetics (formerly Invitae), Labcorp
Classification: Pathogenic for Combined immunodeficiency with skin granulomas; Severe combined immunodeficiency, autosomal recessive, T cell-negative, B cell-negative, NK cell-positive. Last evaluated: 2022-07-28. Review status: criteria provided, single submitter. Criteria: Invitae Variant Classification Sherloc (09022015). Collection method: clinical testing. Allele origin: germline.
Comment: This premature translational stop signal has been observed in individuals with severe combined immunodeficiency (PMID: 11133745). This sequence change creates a premature translational stop signal (p.Leu872*) in the RAG1 gene. While this is not anticipated to result in nonsense mediated decay, it is expected to disrupt the last 172 amino acid(s) of the RAG1 protein. This variant is not present in population databases (gnomAD no frequency). ClinVar contains an entry for this variant (Variation ID: 1072942). This variant disrupts a region of the RAG1 protein in which other variant(s) (p.Trp959*) have been determined to be pathogenic (PMID: 11133745, 24290284, 24406074). This suggests that this is a clinically significant region of the protein, and that variants that disrupt it are likely to be disease-causing. For these reasons, this variant has been classified as Pathogenic.

Literature cited by the submitters: PubMed 11133745; PubMed 24290284; PubMed 24406074.

NM_000448.3(RAG1):c.2615T>G (p.Leu872Ter)

Gene: RAG1 (recombination activating 1; plus strand). Cytogenetic location: 11p12.
Variant type: single nucleotide variant.
Coding change: c.2615T>G on transcript NM_000448.3 (MANE Select); coding-DNA position 2615, T replaced by G.
Protein change: p.Leu872Ter; replaces leucine 872 with a stop codon.
Molecular consequence: nonsense.
Genome position (GRCh38, 1-based): chr11:36,575,919, T>G. VCF-style: chr11-36575919-T-G. GRCh37 (hg19) VCF-style: chr11-36597469-T-G.
Other names: c.2615T>G, p.Leu872Ter (NM_001377277.1, NM_001377278.1, NM_001377279.1 and 1 more transcripts); short protein forms L872*.
Identifiers: ClinVar variation 1072942 (VCV001072942.9), dbSNP rs749360497, ClinGen allele CA380155202.